The following is an entry in ClinVar:

ClinVar aggregate classification (germline): Uncertain significance (1 of 4 stars; one submission).

Conditions:
Ehlers-Danlos syndrome, classic type, 1 (EDSCL1). Also called: EHLERS-DANLOS SYNDROME, GRAVIS TYPE; EHLERS-DANLOS SYNDROME, SEVERE CLASSIC TYPE; Ehlers-Danlos syndrome, type 1; EDS I; Ehlers-Danlos Syndrome, Classic Type, COL5A1-Related. Identifiers: MedGen C0268335, MONDO:0019567, OMIM 130000.

Submission:

Labcorp Genetics (formerly Invitae), Labcorp
Classification: Uncertain significance for Ehlers-Danlos syndrome, classic type, 1. Last evaluated: 2022-06-08. Review status: criteria provided, single submitter. Criteria: Invitae Variant Classification Sherloc (09022015). Collection method: clinical testing. Allele origin: germline.
Comment: In summary, the available evidence is currently insufficient to determine the role of this variant in disease. Therefore, it has been classified as a Variant of Uncertain Significance. Variants that disrupt the consensus splice site are a relatively common cause of aberrant splicing (PMID: 17576681, 9536098). Algorithms developed to predict the effect of sequence changes on RNA splicing suggest that this variant may create or strengthen a splice site. This variant has not been reported in the literature in individuals affected with COL5A2-related conditions. This variant is not present in population databases (gnomAD no frequency). This sequence change falls in intron 12 of the COL5A2 gene. It does not directly change the encoded amino acid sequence of the COL5A2 protein. It affects a nucleotide within the consensus splice site.

Literature cited by the submitters: PubMed 17576681; PubMed 9536098.

NM_000393.5(COL5A2):c.853-3C>G

Gene: COL5A2 (collagen type V alpha 2 chain; minus strand). Cytogenetic location: 2q32.2.
Variant type: single nucleotide variant.
Coding change: c.853-3C>G on transcript NM_000393.5 (MANE Select); 3 bases into the intron before coding-DNA position 853, C replaced by G.
Molecular consequence: intron variant.
Genome position (GRCh38, 1-based): chr2:189,081,046, G>C on the plus strand (C>G on the coding strand, the complement: COL5A2 is on the minus strand). VCF-style: chr2-189081046-G-C. GRCh37 (hg19) VCF-style: chr2-189945772-G-C.
Identifiers: ClinVar variation 1973514 (VCV001973514.5), dbSNP rs2469345443, ClinGen allele CA2580065297.